The following is an entry in ClinVar:

NM_198578.4(LRRK2):c.1829T>C (p.Ile610Thr)

Gene: LRRK2 (leucine rich repeat kinase 2; plus strand). Cytogenetic location: 12q12.
Variant type: single nucleotide variant.
Coding change: c.1829T>C on transcript NM_198578.4 (MANE Select); coding-DNA position 1829, T replaced by C.
Protein change: p.Ile610Thr; replaces isoleucine 610 with threonine.
Molecular consequence: missense variant.
Genome position (GRCh38, 1-based): chr12:40,274,881, T>C. VCF-style: chr12-40274881-T-C. GRCh37 (hg19) VCF-style: chr12-40668683-T-C.
Other names: short protein forms I610T.
Identifiers: ClinVar variation 236289 (VCV000236289.5), dbSNP rs566811888, ClinGen allele CA6513472.
Genomic context (GRCh38, chr12:40,274,881, plus strand): 5'-ATTTAAAACAATTCTTTTTTTTTATTTTCCTAGAAATTCAGTGTCTGGGTTTAAGTCTTA[T>C]AGGATACTTGATTACAAAGAAGAATGTGTTCATAGGAACTGGACATCTGCTGGCAAAAAT-3'
Protein context (NP_940980.4, residues 600-620): QEIQCLGLSL[Ile610Thr]GYLITKKNVF

ClinVar aggregate classification (germline): Uncertain significance. Review status: criteria provided, single submitter (1 of 4 stars). 2 submissions from 2 submitters: Uncertain significance (1). 1 of the submissions does not count toward it. Last evaluated 2022-03-27.

Conditions:
Autosomal dominant Parkinson disease 8. Also called: Parkinson disease 8, susceptibility to; LRRK2-Related Parkinson Disease; Parkinson disease 8. Identifiers: Orphanet 411602, MedGen C1846862, MONDO:0011764, OMIM 607060.

Allele frequency attached by ClinVar (database versions not stated): gnomAD exomes 0.00001 and 0.00002; ExAC 0.00002; TOPMed 0.00005; gnomAD 0.00005.
gnomAD v4.1: 23 of 1,612,380 alleles (0.0014%); highest among the groups gnomAD compares: African/African-American, 0.017%; no homozygotes.

Submissions (2):

Labcorp Genetics (formerly Invitae), Labcorp
Classification: Uncertain significance for Autosomal dominant Parkinson disease 8. Last evaluated: 2022-03-27. Review status: criteria provided, single submitter. Criteria: Invitae Variant Classification Sherloc (09022015). Collection method: clinical testing. Allele origin: germline.
Comment: In summary, the available evidence is currently insufficient to determine the role of this variant in disease. Therefore, it has been classified as a Variant of Uncertain Significance. Algorithms developed to predict the effect of missense changes on protein structure and function output the following: SIFT: "Deleterious"; PolyPhen-2: "Benign"; Align-GVGD: "Class C0". The threonine amino acid residue is found in multiple mammalian species, which suggests that this missense change does not adversely affect protein function. ClinVar contains an entry for this variant (Variation ID: 236289). This variant is also known as c.1828T>C. This missense change has been observed in individual(s) with Parkinson disease (PMID: 26213354). This variant is present in population databases (rs566811888, gnomAD 0.02%). This sequence change replaces isoleucine, which is neutral and non-polar, with threonine, which is neutral and polar, at codon 610 of the LRRK2 protein (p.Ile610Thr).

GeneReviews
Classification: Uncertain significance for Autosomal dominant Parkinson disease 8. Last evaluated: 2014-12-11. Review status: no assertion criteria provided. Collection method: literature only. Allele origin: germline. Affected: yes. Not counted in ClinVar's aggregate classification.

Literature cited by the submitters: PubMed 26213354 (cited by Labcorp Genetics (formerly Invitae), Labcorp).